The following is an entry in ClinVar:

ClinVar aggregate classification (germline): Pathogenic (0 of 4 stars; one submission).

Conditions:
Familial cancer of breast. Also called: BREAST CANCER, FAMILIAL; Hereditary breast cancer; hereditary breast carcinoma. Identifiers: Orphanet 227535, MedGen C0346153, MONDO:0016419, OMIM 114480. Disease mechanism: loss of function.

Submission:

Diagnostics Centre, Carl Von Ossietzky University Oldenburg
Classification: Pathogenic for Familial cancer of breast. Last evaluated: 2025-06-18. Review status: no assertion criteria provided. Collection method: clinical testing. Allele origin: germline. Affected: yes. Observed: 1 variant allele.
Comment: The present alteration is a heterozygous deletion of exons 9 and 10 of the CHEK2 gene on chromosome 22 (22q12.1). The deletion spans approximately 5.9 kb. Several pathogenic deletions of similar position and size have been reported in the context of familial cancer predisposition syndromes, including hereditary breast and ovarian cancer (PMID: 16551709). In summary, this variant is classified as Pathogenic.

Literature cited by the submitters: PubMed 16551709.

GRCh38/hg38 22q12.1(chr22:28696573-28702472)x1

Gene: CHEK2 (checkpoint kinase 2; minus strand). Cytogenetic location: 22q12.1.
Variant type: copy number loss.
Change: copy number 1 (one copy instead of two) of chr22:28,696,573-28,702,472 (5.9 kb, GRCh38 coordinates, 1-based), cytogenetic band 22q12.1.
Identifiers: ClinVar variation 4886787 (VCV004886787.1).